The following is an entry in ClinVar:

ClinVar aggregate classification (germline): Uncertain significance. Review status: criteria provided, multiple submitters, no conflicts (2 of 4 stars). 2 submissions from 2 submitters: Uncertain significance (2). Last evaluated 2025-11-27.

Conditions:
Neuroblastoma, susceptibility to, 3. Also called: ALK-Related Neuroblastic Tumor Susceptibility. Identifiers: Orphanet 635, MedGen C2751681, MONDO:0013083, OMIM 613014.
Hereditary cancer-predisposing syndrome. Also called: Neoplastic Syndromes, Hereditary; Hereditary Cancer Syndrome; Hereditary neoplastic syndrome; Tumor predisposition. Identifiers: Orphanet 140162, MedGen C0027672, MeSH D009386, MONDO:0015356.

Allele frequency attached by ClinVar (database versions not stated): gnomAD 0.00001; TOPMed 0.00001.
gnomAD v4.1: 1 of 1,613,936 alleles (0.000062%); highest among the groups gnomAD compares: Non-Finnish European, 0.000085%; no homozygotes.

Submissions (2):

Labcorp Genetics (formerly Invitae), Labcorp
Classification: Uncertain significance for Neuroblastoma, susceptibility to, 3. Last evaluated: 2025-11-27. Review status: criteria provided, single submitter. Criteria: Invitae Variant Classification Sherloc (09022015). Collection method: clinical testing. Allele origin: germline.
Comment: This sequence change falls in intron 10 of the ALK gene. It does not directly change the encoded amino acid sequence of the ALK protein. It affects a nucleotide within the consensus splice site. This variant is present in population databases (no rsID available, gnomAD 0.007%). This variant has not been reported in the literature in individuals affected with ALK-related conditions. ClinVar contains an entry for this variant (Variation ID: 851197). Variants that disrupt the consensus splice site are a relatively common cause of aberrant splicing (PMID: 17576681, 9536098). Algorithms developed to predict the effect of sequence changes on RNA splicing suggest that this variant is not likely to affect RNA splicing. In summary, the available evidence is currently insufficient to determine the role of this variant in disease. Therefore, it has been classified as a Variant of Uncertain Significance.

Ambry Genetics
Classification: Uncertain significance for Hereditary cancer-predisposing syndrome. Last evaluated: 2024-12-31. Review status: criteria provided, single submitter. Criteria: Ambry Variant Classification Scheme 2023. Collection method: clinical testing. Allele origin: germline.
Comment: The c.1913-3C>T intronic variant results from a C to T substitution 3 nucleotides upstream from coding exon 11 in the ALK gene. This nucleotide position is not well conserved in available vertebrate species. In silico splice site analysis predicts that this alteration will not have any significant effect on splicing. Based on the available evidence, the clinical significance of this variant remains unclear.

Literature cited by the submitters: PubMed 17576681 (cited by Labcorp Genetics (formerly Invitae), Labcorp); PubMed 9536098 (cited by Labcorp Genetics (formerly Invitae), Labcorp).

NM_004304.5(ALK):c.1913-3C>T

Gene: ALK (ALK receptor tyrosine kinase; minus strand). Cytogenetic location: 2p23.2.
Variant type: single nucleotide variant.
Coding change: c.1913-3C>T on transcript NM_004304.5 (MANE Select); 3 bases into the intron before coding-DNA position 1913, C replaced by T.
Molecular consequence: intron variant.
Genome position (GRCh38, 1-based): chr2:29,275,230, G>A on the plus strand (C>T on the coding strand, the complement: ALK is on the minus strand). VCF-style: chr2-29275230-G-A. GRCh37 (hg19) VCF-style: chr2-29498096-G-A.
Identifiers: ClinVar variation 851197 (VCV000851197.10), dbSNP rs1209588035, ClinGen allele CA531766899.